The following is an entry in ClinVar:

NM_005876.5(SPEG):c.7940C>T (p.Ala2647Val)

Genes: ASIC4-AS1 (ASIC4 antisense RNA 1; minus strand), SPEG (striated muscle enriched protein kinase; plus strand). Cytogenetic location: 2q35.
Variant type: single nucleotide variant.
Coding change: c.7940C>T on transcript NM_005876.5 (MANE Select); coding-DNA position 7940, C replaced by T.
Protein change: p.Ala2647Val; replaces alanine 2647 with valine.
Molecular consequence: missense variant.
Genome position (GRCh38, 1-based): chr2:219,488,579, C>T. VCF-style: chr2-219488579-C-T. GRCh37 (hg19) VCF-style: chr2-220353301-C-T.
Other names: c.7940C>T (NM_005876.4); short protein forms A2647V.
Identifiers: ClinVar variation 2187325 (VCV002187325.4), dbSNP rs749373078, ClinGen allele CA2127333.

ClinVar aggregate classification (germline): Conflicting classifications of pathogenicity. Review status: criteria provided, conflicting classifications (1 of 4 stars). 2 submissions from 2 submitters: Uncertain significance (1); Likely benign (1). Last evaluated 2024-12-04.

Conditions:
Inborn genetic diseases. Identifiers: MedGen C0950123, MeSH D030342.

Allele frequency attached by ClinVar (database versions not stated): gnomAD 0.00001; TOPMed 0.00001.
gnomAD v4.1: 46 of 1,612,002 alleles (0.0029%); highest among the groups gnomAD compares: South Asian, 0.0044%; no homozygotes.

Submissions (2):

Ambry Genetics
Classification: Likely benign for Inborn genetic diseases. Last evaluated: 2024-12-04. Review status: criteria provided, single submitter. Criteria: Ambry Variant Classification Scheme 2023. Collection method: clinical testing. Allele origin: germline.

Labcorp Genetics (formerly Invitae), Labcorp
Classification: Uncertain significance. Last evaluated: 2022-03-08. Review status: criteria provided, single submitter. Criteria: Invitae Variant Classification Sherloc (09022015). Collection method: clinical testing. Allele origin: germline.
Comment: This sequence change replaces alanine, which is neutral and non-polar, with valine, which is neutral and non-polar, at codon 2647 of the SPEG protein (p.Ala2647Val). This variant is present in population databases (rs749373078, gnomAD 0.01%). This variant has not been reported in the literature in individuals affected with SPEG-related conditions. Algorithms developed to predict the effect of missense changes on protein structure and function output the following: SIFT: "Tolerated"; PolyPhen-2: "Possibly Damaging"; Align-GVGD: "Class C0". The valine amino acid residue is found in multiple mammalian species, which suggests that this missense change does not adversely affect protein function. Algorithms developed to predict the effect of sequence changes on RNA splicing suggest that this variant may create or strengthen a splice site. In summary, the available evidence is currently insufficient to determine the role of this variant in disease. Therefore, it has been classified as a Variant of Uncertain Significance.